The following is an entry in ClinVar:

NM_001042702.5(PJVK):c.766+8T>C

Gene: PJVK (pejvakin; plus strand). Cytogenetic location: 2q31.2.
Variant type: single nucleotide variant.
Coding change: c.766+8T>C on transcript NM_001042702.5 (MANE Select); 8 bases into the intron after coding-DNA position 766, T replaced by C.
Molecular consequence: intron variant.
Genome position (GRCh38, 1-based): chr2:178,460,454, T>C. VCF-style: chr2-178460454-T-C. GRCh37 (hg19) VCF-style: chr2-179325181-T-C.
Other names: c.289+8T>C (NM_001353777.1, NM_001353778.2); c.775+8T>C (NM_001353775.2); c.773-528T>C (NM_001353776.2); c.766+8T>C (NM_001369912.1).
Identifiers: ClinVar variation 178339 (VCV000178339.22), dbSNP rs185220846, ClinGen allele CA182138.

ClinVar aggregate classification (germline): Conflicting classifications of pathogenicity. Review status: criteria provided, conflicting classifications (1 of 4 stars). 5 submissions from 5 submitters: Uncertain significance (1); Benign (4). Last evaluated 2026-01-24.

Conditions:
Autosomal recessive nonsyndromic hearing loss 59. Identifiers: Orphanet 90636, MedGen C1857744, MONDO:0012445, OMIM 610220.

Allele frequency attached by ClinVar (database versions not stated): TOPMed 0.00071; gnomAD 0.00078 and 0.00147; ESP Exome Variant Server 0.00093; gnomAD exomes 0.00160 and 0.00285; ExAC 0.00336; 1000 Genomes Project 0.00399; 1000 Genomes Project 30x 0.00453.
gnomAD v4.1: 2,606 of 1,608,602 alleles (0.16%); highest among the groups gnomAD compares: South Asian, 1.8%; 51 homozygotes.

Submissions (5):

Labcorp Genetics (formerly Invitae), Labcorp
Classification: Benign. Last evaluated: 2026-01-24. Review status: criteria provided, single submitter. Criteria: Invitae Variant Classification Sherloc (09022015). Collection method: clinical testing. Allele origin: germline.

GeneDx
Classification: Benign. Last evaluated: 2018-10-31. Review status: criteria provided, single submitter. Criteria: GeneDx Variant Classification Process June 2021. Collection method: clinical testing. Allele origin: germline. Affected: yes.

Illumina Laboratory Services, Illumina
Classification: Uncertain significance for Autosomal recessive nonsyndromic hearing loss 59. Last evaluated: 2018-01-12. Review status: criteria provided, single submitter. Criteria: ICSL Variant Classification Criteria 13 December 2019. Collection method: clinical testing. Allele origin: germline.

Eurofins Ntd Llc (ga)
Classification: Benign. Last evaluated: 2015-11-25. Review status: criteria provided, single submitter. Criteria: EGL Classification Definitions 2015. Collection method: clinical testing. Allele origin: germline. Observed: 1 variant allele, 1 heterozygote.

Laboratory for Molecular Medicine, Mass General Brigham Personalized Medicine
Classification: Benign. Last evaluated: 2015-03-30. Review status: criteria provided, single submitter. Criteria: LMM Criteria. Collection method: clinical testing. Allele origin: germline. Observed: 6 variant alleles.
Comment: c.766+8T>C in Intron 06 of DFNB59: This variant is not expected to have clinical significance because it is not located within the conserved splice consensus se quence and has been identified in 1.9% (316/16358) of South Asian chromosomes by the Exome Aggregation Consoritum (rs185220846) .